The following is an entry in ClinVar:

NM_015295.3(SMCHD1):c.4601T>C (p.Val1534Ala)

Gene: SMCHD1 (structural maintenance of chromosomes flexible hinge domain containing 1; plus strand). Cytogenetic location: 18p11.32.
Variant type: single nucleotide variant.
Coding change: c.4601T>C on transcript NM_015295.3 (MANE Select); coding-DNA position 4601, T replaced by C.
Protein change: p.Val1534Ala; replaces valine 1534 with alanine.
Molecular consequence: missense variant.
Genome position (GRCh38, 1-based): chr18:2,763,671, T>C. VCF-style: chr18-2763671-T-C. GRCh37 (hg19) VCF-style: chr18-2763669-T-C.
Other names: short protein forms V1534A.
Identifiers: ClinVar variation 464167 (VCV000464167.7), dbSNP rs1555650440, ClinGen allele CA401696730.

ClinVar aggregate classification (germline): Uncertain significance. Review status: criteria provided, multiple submitters, no conflicts (2 of 4 stars). 2 submissions from 2 submitters: Uncertain significance (2). Last evaluated 2024-05-09.

Conditions:
Facioscapulohumeral muscular dystrophy 2 (FSHD2). Also called: MUSCULAR DYSTROPHY, FACIOSCAPULOHUMERAL, TYPE 1B; FACIOSCAPULOHUMERAL MUSCULAR DYSTROPHY 2, DIGENIC; FSHD2, DIGENIC. Identifiers: Orphanet 269, MedGen C1834671, MONDO:0008031, OMIM 158901.

Allele frequency attached by ClinVar (database versions not stated): TOPMed below 0.00001; gnomAD 0.00001.

Submissions (2):

Women's Health and Genetics/Laboratory Corporation of America, LabCorp
Classification: Uncertain significance. Last evaluated: 2024-05-09. Review status: criteria provided, single submitter. Criteria: LabCorp Variant Classification Summary - May 2015. Collection method: clinical testing. Allele origin: germline.
Comment: Variant summary: SMCHD1 c.4601T>C (p.Val1534Ala) results in a non-conservative amino acid change in the encoded protein sequence. Four of five in-silico tools predict a benign effect of the variant on protein function. The variant was absent in 219778 control chromosomes (gnomAD v2.1). The available data on variant occurrences in the general population are insufficient to allow any conclusion about variant significance. To our knowledge, no occurrence of c.4601T>C in individuals affected with Arrhinia With Choanal Atresia And Microphthalmia Syndrome and no experimental evidence demonstrating its impact on protein function have been reported. ClinVar contains an entry for this variant (Variation ID: 464167). Based on the evidence outlined above, the variant was classified as uncertain significance.

Labcorp Genetics (formerly Invitae), Labcorp
Classification: Uncertain significance for Facioscapulohumeral muscular dystrophy 2. Last evaluated: 2023-08-24. Review status: criteria provided, single submitter. Criteria: Invitae Variant Classification Sherloc (09022015). Collection method: clinical testing. Allele origin: germline.
Comment: This variant is not present in population databases (gnomAD no frequency). This sequence change replaces valine, which is neutral and non-polar, with alanine, which is neutral and non-polar, at codon 1534 of the SMCHD1 protein (p.Val1534Ala). In summary, the available evidence is currently insufficient to determine the role of this variant in disease. Therefore, it has been classified as a Variant of Uncertain Significance. Advanced modeling of protein sequence and biophysical properties (such as structural, functional, and spatial information, amino acid conservation, physicochemical variation, residue mobility, and thermodynamic stability) performed at Invitae indicates that this missense variant is not expected to disrupt SMCHD1 protein function. ClinVar contains an entry for this variant (Variation ID: 464167). This variant has not been reported in the literature in individuals affected with SMCHD1-related conditions.